The following is an entry in ClinVar:

NM_000059.4(BRCA2):c.3448A>G (p.Thr1150Ala)

Gene: BRCA2 (BRCA2 DNA repair associated; plus strand). Cytogenetic location: 13q13.1.
Variant type: single nucleotide variant.
Coding change: c.3448A>G on transcript NM_000059.4 (MANE Select); coding-DNA position 3448, A replaced by G.
Protein change: p.Thr1150Ala; replaces threonine 1150 with alanine.
Molecular consequence: missense variant.
Genome position (GRCh38, 1-based): chr13:32,337,803, A>G. VCF-style: chr13-32337803-A-G. GRCh37 (hg19) VCF-style: chr13-32911940-A-G.
Other names: c.3448A>G (NM_000059.3); short protein forms T1150A.
Identifiers: ClinVar variation 1035659 (VCV001035659.11), dbSNP rs367789070, ClinGen allele CA387776669.
Genomic context (GRCh38, chr13:32,337,803, plus strand): 5'-TTTAGAAAACCAAGCTACATATTGCAGAAGAGTACATTTGAAGTGCCTGAAAACCAGATG[A>G]CTATCTTAAAGACCACTTCTGAGGAATGCAGAGATGCTGATCTTCATGTCATAATGAATG-3'
Protein context (NP_000050.3, residues 1140-1160): STFEVPENQM[Thr1150Ala]ILKTTSEECR

ClinVar aggregate classification (germline): Conflicting classifications of pathogenicity. Review status: criteria provided, conflicting classifications (1 of 4 stars). 3 submissions from 3 submitters: Uncertain significance (2); Likely benign (1). Last evaluated 2025-08-19.

Conditions:
Hereditary cancer-predisposing syndrome. Also called: Hereditary neoplastic syndrome; Neoplastic Syndromes, Hereditary; Tumor predisposition; Hereditary Cancer Syndrome. Identifiers: Orphanet 140162, MedGen C0027672, MeSH D009386, MONDO:0015356.
Hereditary breast ovarian cancer syndrome. Also called: Hereditary breast and ovarian cancer syndrome; Hereditary breast and/or ovarian cancer syndrome; Hereditary breast and ovarian cancer; Hereditary breast and ovarian cancer syndrome (HBOC); Breast and ovarian cancer; BRCA1- and BRCA2-Associated Hereditary Breast and Ovarian Cancer. Identifiers: Orphanet 145, MedGen C0677776, MeSH D061325, MONDO:0003582. Disease mechanism: loss of function.

Submissions (3):

Ambry Genetics
Classification: Uncertain significance for Hereditary cancer-predisposing syndrome. Last evaluated: 2025-08-19. Review status: criteria provided, single submitter. Criteria: Ambry Variant Classification Scheme 2023. Collection method: clinical testing. Allele origin: germline.
Comment: The p.T1150A variant (also known as c.3448A>G), located in coding exon 10 of the BRCA2 gene, results from an A to G substitution at nucleotide position 3448. The threonine at codon 1150 is replaced by alanine, an amino acid with similar properties. This amino acid position is conserved. In addition, this alteration is predicted to be tolerated by in silico analysis. Based on the available evidence, the clinical significance of this variant remains unclear.

University of Washington Department of Laboratory Medicine, University of Washington
Classification: Likely benign for Hereditary cancer-predisposing syndrome. Last evaluated: 2023-03-23. Review status: criteria provided, single submitter. Criteria: Dines et al. (Genet Med. 2020). Collection method: curation. Allele origin: germline.
Comment: Missense variant in a coldspot region where missense variants are very unlikely to be pathogenic (PMID:31911673).

BRCA2 exon 11 coldspot. Reclassification based on statistical prior probability.

Labcorp Genetics (formerly Invitae), Labcorp
Classification: Uncertain significance for Hereditary breast ovarian cancer syndrome. Last evaluated: 2018-12-31. Review status: criteria provided, single submitter. Criteria: Invitae Variant Classification Sherloc (09022015). Collection method: clinical testing. Allele origin: germline.
Comment: This variant is not present in population databases (ExAC no frequency). This sequence change replaces threonine with alanine at codon 1150 of the BRCA2 protein (p.Thr1150Ala). The threonine residue is weakly conserved and there is a small physicochemical difference between threonine and alanine. This variant has not been reported in the literature in individuals with BRCA2-related conditions. Algorithms developed to predict the effect of missense changes on protein structure and function output the following: SIFT: "Tolerated"; PolyPhen-2: "Benign"; Align-GVGD: "Class C0". The alanine amino acid residue is found in multiple mammalian species, suggesting that this missense change does not adversely affect protein function. These predictions have not been confirmed by published functional studies and their clinical significance is uncertain. In summary, the available evidence is currently insufficient to determine the role of this variant in disease. Therefore, it has been classified as a Variant of Uncertain Significance.